The following is an entry in ClinVar:

NM_001114753.3(ENG):c.1171G>C (p.Asp391His)

Genes: ENG (endoglin; minus strand), LOC102723566 (uncharacterized LOC102723566; plus strand). Cytogenetic location: 9q34.11.
Variant type: single nucleotide variant.
Coding change: c.1171G>C on transcript NM_001114753.3 (MANE Select); coding-DNA position 1171, G replaced by C.
Protein change: p.Asp391His; replaces aspartic acid 391 with histidine.
Molecular consequence: missense variant.
Genome position (GRCh38, 1-based): chr9:127,820,001, C>G on the plus strand (G>C on the coding strand, the complement: ENG is on the minus strand). VCF-style: chr9-127820001-C-G. GRCh37 (hg19) VCF-style: chr9-130582280-C-G.
Other names: c.1171G>C, p.Asp391His (NM_000118.4); c.625G>C, p.Asp209His (NM_001278138.2); short protein forms D209H, D391H.
Identifiers: ClinVar variation 1024161 (VCV001024161.10), dbSNP rs1830434474, ClinGen allele CA374978704.

ClinVar aggregate classification (germline): Uncertain significance (1 of 4 stars; one submission).

Conditions:
Hereditary hemorrhagic telangiectasia (HHT). Also called: Osler hemorrhagic telangiectasia syndrome; ORW DISEASE; Osler Weber Rendu syndrome; OSLER-RENDU-WEBER DISEASE. Identifiers: Orphanet 774, MedGen C0039445, MONDO:0019180. Disease mechanism: loss of function.

Submission:

Labcorp Genetics (formerly Invitae), Labcorp
Classification: Uncertain significance for Hereditary hemorrhagic telangiectasia. Last evaluated: 2020-10-03. Review status: criteria provided, single submitter. Criteria: Invitae Variant Classification Sherloc (09022015). Collection method: clinical testing. Allele origin: germline.
Comment: In summary, the available evidence is currently insufficient to determine the role of this variant in disease. Therefore, it has been classified as a Variant of Uncertain Significance. Advanced modeling of protein sequence and biophysical properties (such as structural, functional, and spatial information, amino acid conservation, physicochemical variation, residue mobility, and thermodynamic stability) performed at Invitae indicates that this missense variant is expected to disrupt ENG protein function. This variant has not been reported in the literature in individuals with ENG-related conditions. This variant is not present in population databases (ExAC no frequency). This sequence change replaces aspartic acid with histidine at codon 391 of the ENG protein (p.Asp391His). The aspartic acid residue is highly conserved and there is a moderate physicochemical difference between aspartic acid and histidine.